The following is an entry in ClinVar:

NM_001166114.2(PNPLA6):c.3885dup (p.Ser1296fs)

Gene: PNPLA6 (patatin like phospholipase domain containing 6; plus strand). Cytogenetic location: 19p13.2.
Variant type: Duplication.
Coding change: c.3885dup on transcript NM_001166114.2 (MANE Select); coding-DNA position 3885, one base duplicated (G; older notation c.3885dupG).
Protein change: p.Ser1296fs; shifts the reading frame from serine 1296.
Molecular consequence: frameshift variant.
Genome position (GRCh38, 1-based): chr19:7,561,082, G duplicated. VCF-style (leftmost placement, unchanged base first): chr19-7561081-C-CG. GRCh37 (hg19) VCF-style: chr19-7625967-C-CG.
Other names: c.3915dup, p.Ser1306fs (NM_001166111.2); c.3690dup, p.Ser1231fs (NM_001166112.2); c.3771dup, p.Ser1258fs (NM_001166113.1, NM_006702.5); short protein forms S1231fs, S1258fs, S1296fs, S1306fs.
Identifiers: ClinVar variation 1172662 (VCV001172662.1), dbSNP rs2146123001, ClinGen allele CA2499225642.

ClinVar aggregate classification (germline): Pathogenic (1 of 4 stars; one submission).

Conditions:
Hypogonadism with anosmia (KS). Also called: Kallmann syndrome; Anosmic idiopathic hypogonadotropic hypogonadism; Hypogonadotropic hypogonadism-anosmia syndrome; Dysplasia olfactogenitalis of De Morsier (formerly); Anosmic hypogonadism. Identifiers: Orphanet 478, MedGen C0162809, MONDO:0018800.

Submission:

Equipe Genetique des Anomalies du Developpement, Université de Bourgogne
Classification: Pathogenic for Hypogonadism with anosmia. Review status: criteria provided, single submitter. Criteria: ACMG Guidelines, 2015. Collection method: clinical testing. Allele origin: paternal. Affected: yes.